The following is an entry in ClinVar:

NM_177438.3(DICER1):c.700G>T (p.Ala234Ser)

Gene: DICER1 (dicer 1, ribonuclease III; minus strand). Cytogenetic location: 14q32.13.
Variant type: single nucleotide variant.
Coding change: c.700G>T on transcript NM_177438.3 (MANE Select); coding-DNA position 700, G replaced by T.
Protein change: p.Ala234Ser; replaces alanine 234 with serine.
Molecular consequence: missense variant. On other transcripts: 5 prime UTR variant (1), non-coding transcript variant (6).
Genome position (GRCh38, 1-based): chr14:95,129,506, C>A on the plus strand (G>T on the coding strand, the complement: DICER1 is on the minus strand). VCF-style: chr14-95129506-C-A. GRCh37 (hg19) VCF-style: chr14-95595843-C-A.
Other names: c.700G>T, p.Ala234Ser (NM_001195573.1, NM_001271282.3, NM_001291628.2 and 15 more transcripts); c.418G>T, p.Ala140Ser (NM_001395686.1); c.295G>T, p.Ala99Ser (NM_001395687.1, NM_001395688.1, NM_001395689.1 and 3 more transcripts); c.133G>T, p.Ala45Ser (NM_001395691.1); c.-869G>T (NM_001395697.1); short protein forms A140S, A45S, A234S, A99S.
Identifiers: ClinVar variation 2566220 (VCV002566220.2), dbSNP rs2140260180, ClinGen allele CA390888027.

ClinVar aggregate classification (germline): Uncertain significance (1 of 4 stars; one submission).

Conditions:
Hereditary cancer-predisposing syndrome. Also called: Neoplastic Syndromes, Hereditary; Hereditary Cancer Syndrome; Hereditary neoplastic syndrome; Tumor predisposition. Identifiers: Orphanet 140162, MedGen C0027672, MeSH D009386, MONDO:0015356.

Submission:

Ambry Genetics
Classification: Uncertain significance for Hereditary cancer-predisposing syndrome. Last evaluated: 2023-05-26. Review status: criteria provided, single submitter. Criteria: Ambry Variant Classification Scheme 2023. Collection method: clinical testing. Allele origin: germline.
Comment: The p.A234S variant (also known as c.700G>T), located in coding exon 5 of the DICER1 gene, results from a G to T substitution at nucleotide position 700. The alanine at codon 234 is replaced by serine, an amino acid with similar properties. This amino acid position is conserved. In addition, the in silico prediction for this alteration is inconclusive. Since supporting evidence is limited at this time, the clinical significance of this alteration remains unclear.